The following is an entry in ClinVar:

NM_006231.4(POLE):c.129G>A (p.Lys43=)

Gene: POLE (DNA polymerase epsilon, catalytic subunit; minus strand). Cytogenetic location: 12q24.33.
Variant type: single nucleotide variant.
Coding change: c.129G>A on transcript NM_006231.4 (MANE Select); coding-DNA position 129, G replaced by A.
Protein change: p.Lys43=; no amino-acid change (lysine 43 retained).
Molecular consequence: synonymous variant.
Genome position (GRCh38, 1-based): chr12:132,681,213, C>T on the plus strand (G>A on the coding strand, the complement: POLE is on the minus strand). VCF-style: chr12-132681213-C-T. GRCh37 (hg19) VCF-style: chr12-133257799-C-T.
Identifiers: ClinVar variation 701262 (VCV000701262.17), dbSNP rs767554563, ClinGen allele CA6894436.

ClinVar aggregate classification (germline): Conflicting classifications of pathogenicity. Review status: criteria provided, conflicting classifications (1 of 4 stars). 4 submissions from 4 submitters: Uncertain significance (1); Likely benign (2). 1 of the submissions does not count toward it. Last evaluated 2025-11-24.

Conditions:
POLE-related disorder. Also called: POLE-related condition; POLE-related disorders.
Hereditary cancer-predisposing syndrome. Also called: Tumor predisposition; Hereditary neoplastic syndrome; Hereditary Cancer Syndrome; Neoplastic Syndromes, Hereditary. Identifiers: Orphanet 140162, MedGen C0027672, MeSH D009386, MONDO:0015356.

Allele frequency attached by ClinVar (database versions not stated): ExAC 0.00001; gnomAD exomes 0.00001; gnomAD 0.00002; TOPMed 0.00002.

Submissions (4):

Labcorp Genetics (formerly Invitae), Labcorp
Classification: Likely benign. Last evaluated: 2025-11-24. Review status: criteria provided, single submitter. Criteria: Invitae Variant Classification Sherloc (09022015). Collection method: clinical testing. Allele origin: germline.

GeneDx
Classification: Uncertain significance. Last evaluated: 2025-08-07. Review status: criteria provided, single submitter. Criteria: GeneDx Variant Classification Process June 2021. Collection method: clinical testing. Allele origin: germline.
Comment: Not observed at significant frequency in large population cohorts (gnomAD); In silico analysis suggests that this variant does not alter splicing; Has not been previously published as pathogenic or benign to our knowledge

Ambry Genetics
Classification: Likely benign for Hereditary cancer-predisposing syndrome. Last evaluated: 2019-04-10. Review status: criteria provided, single submitter. Criteria: Ambry Variant Classification Scheme 2023. Collection method: clinical testing. Allele origin: germline.

PreventionGenetics, part of Exact Sciences
Classification: Likely benign for POLE-related condition. Last evaluated: 2023-10-18. Review status: no assertion criteria provided. Collection method: clinical testing. Allele origin: germline. Not counted in ClinVar's aggregate classification.
Comment: This variant is classified as likely benign based on ACMG/AMP sequence variant interpretation guidelines (Richards et al. 2015 PMID: 25741868, with internal and published modifications).